The following is an entry in ClinVar:

ClinVar aggregate classification (germline): Uncertain significance (1 of 4 stars; one submission).

Conditions:
Neurofibromatosis, type 1 (NF1). Also called: VON RECKLINGHAUSEN DISEASE; Neurofibromatosis, type I; NEUROFIBROMATOSIS, TYPE I, SOMATIC; Peripheral type neurofibromatosis. Identifiers: Orphanet 636, MedGen C0027831, MONDO:0018975, OMIM 162200. Disease mechanism: loss of function.

Submission:

Labcorp Genetics (formerly Invitae), Labcorp
Classification: Uncertain significance for Neurofibromatosis, type 1. Last evaluated: 2025-06-23. Review status: criteria provided, single submitter. Criteria: Invitae Variant Classification Sherloc (09022015). Collection method: clinical testing. Allele origin: germline.
Comment: This sequence change replaces tyrosine, which is neutral and polar, with histidine, which is basic and polar, at codon 1587 of the NF1 protein (p.Tyr1587His). This variant is not present in population databases (gnomAD no frequency). This variant has not been reported in the literature in individuals affected with NF1-related conditions. Invitae Evidence Modeling of protein sequence and biophysical properties (such as structural, functional, and spatial information, amino acid conservation, physicochemical variation, residue mobility, and thermodynamic stability) indicates that this missense variant is expected to disrupt NF1 protein function with a positive predictive value of 95%. In summary, the available evidence is currently insufficient to determine the role of this variant in disease. Therefore, it has been classified as a Variant of Uncertain Significance.

NM_001042492.3(NF1):c.4822T>C (p.Tyr1608His)

Gene: NF1 (neurofibromin 1; plus strand). Cytogenetic location: 17q11.2.
Variant type: single nucleotide variant.
Coding change: c.4822T>C on transcript NM_001042492.3 (MANE Select); coding-DNA position 4822, T replaced by C.
Protein change: p.Tyr1608His; replaces tyrosine 1608 with histidine.
Molecular consequence: missense variant.
Genome position (GRCh38, 1-based): chr17:31,265,326, T>C. VCF-style: chr17-31265326-T-C. GRCh37 (hg19) VCF-style: chr17-29592344-T-C.
Other names: c.4759T>C, p.Tyr1587His (NM_000267.4); short protein forms Y1587H, Y1608H.
Identifiers: ClinVar variation 4800772 (VCV004800772.1).